The following is an entry in ClinVar:

ClinVar aggregate classification (germline): Pathogenic. Review status: criteria provided, multiple submitters, no conflicts (2 of 4 stars). 5 submissions from 5 submitters: Pathogenic (4). 1 of the submissions does not count toward it. Last evaluated 2023-06-28.

Conditions:
GALNS-related disorders.
Morquio syndrome. Also called: Mucopolysaccharidosis, Type IV; MPS IV; Mucopolysaccharidosis type 4; Eccentrochondrodysplasia. Identifiers: Orphanet 582, MedGen C0026707, MONDO:0018938.
Mucopolysaccharidosis, MPS-IV-A (MPS4A). Also called: Morquio syndrome A, mild; MORQUIO A DISEASE; MPS IVA; mucopolysaccharidosis type 4A; MORQUIO SYNDROME A; GALACTOSAMINE-6-SULFATASE DEFICIENCY. Identifiers: Orphanet 309297, Orphanet 582, MedGen C0086651, MONDO:0009659, OMIM 253000.

Allele frequency attached by ClinVar (database versions not stated): gnomAD exomes below 0.00001.
gnomAD v4.1: 1 of 1,614,136 alleles (0.000062%); highest among the groups gnomAD compares: Non-Finnish European, 0.000085%; no homozygotes.

Submissions (5):

Blueprint Genetics
Classification: Pathogenic for GALNS-related disorders. Last evaluated: 2023-06-28. Review status: criteria provided, single submitter. Criteria: ACMG Guidelines, 2015. Collection method: clinical testing. Allele origin: germline. Affected: yes. Observed: 2 variant alleles.

Genome-Nilou Lab
Classification: Pathogenic for Mucopolysaccharidosis, MPS-IV-A. Last evaluated: 2021-11-07. Review status: criteria provided, single submitter. Criteria: ACMG Guidelines, 2015. Collection method: clinical testing. Allele origin: germline. Affected: no.

Laboratory of Diagnosis and Therapy of Lysosomal Disorders, University of Padova
Classification: Pathogenic for Mucopolysaccharidosis, MPS-IV-A. Last evaluated: 2021-02-01. Review status: criteria provided, single submitter. Criteria: ACMG Guidelines, 2015. Collection method: curation. Allele origin: germline. Affected: yes.
Comment: Nonsense variant (PVS1_very strong); in vitro and in vivo functional studies supportive of a damaging effect on the gene product (low to null enzymatic activity in homozygotes; low to null in vitro enzymatic activity; PS3_moderate); absent from gnomAD v2.1.1 (PM2_moderate)

Women's Health and Genetics/Laboratory Corporation of America, LabCorp
Classification: Pathogenic for Morquio syndrome. Last evaluated: 2019-03-18. Review status: criteria provided, single submitter. Criteria: LabCorp Variant Classification Summary - May 2015. Collection method: clinical testing. Allele origin: germline.
Comment: Variant summary: GALNS c.689G>A (p.Trp230X) results in a premature termination codon, predicted to cause a truncation of the encoded protein or absence of the protein due to nonsense mediated decay, which are commonly known mechanisms for disease. The variant was absent in 246200 control chromosomes (gnomAD). c.689G>A has been reported in the literature in two siblings affected with Mucopolysaccharidosis Type IVA (Morquio Syndrome A)(Montano_2003). These data indicate that the variant may be associated with disease. A functional study, Montano_2003, showed the variant to have no detectable activity. No clinical diagnostic laboratories have submitted clinical-significance assessments for this variant to ClinVar after 2014. Based on the evidence outlined above, the variant was classified as pathogenic.

OMIM
Classification: Pathogenic for MUCOPOLYSACCHARIDOSIS, TYPE IVA. Last evaluated: 2003-07-01. Review status: no assertion criteria provided. Collection method: literature only. Allele origin: germline. Not counted in ClinVar's aggregate classification.

Literature cited by the submitters: PubMed 12721840 (cited by 3 submitters); PubMed 16287098 (cited by Laboratory of Diagnosis and Therapy of Lysosomal Disorders, University of Padova); PubMed 25252036 (cited by Laboratory of Diagnosis and Therapy of Lysosomal Disorders, University of Padova); PubMed 34387910 (cited by Laboratory of Diagnosis and Therapy of Lysosomal Disorders, University of Padova).

NM_000512.5(GALNS):c.689G>A (p.Trp230Ter)

Gene: GALNS (galactosamine (N-acetyl)-6-sulfatase; minus strand). Cytogenetic location: 16q24.3.
Variant type: single nucleotide variant.
Coding change: c.689G>A on transcript NM_000512.5 (MANE Select); coding-DNA position 689, G replaced by A.
Protein change: p.Trp230Ter; replaces tryptophan 230 with a stop codon.
Molecular consequence: nonsense.
Genome position (GRCh38, 1-based): chr16:88,835,794, C>T on the plus strand (G>A on the coding strand, the complement: GALNS is on the minus strand). VCF-style: chr16-88835794-C-T. GRCh37 (hg19) VCF-style: chr16-88902202-C-T.
Other names: c.134G>A, p.Trp45Ter (NM_001323543.2); c.707G>A, p.Trp236Ter (NM_001323544.2); short protein forms W230*, W45*, W236*.
Identifiers: ClinVar variation 711 (VCV000000711.9), dbSNP rs118204449, ClinGen allele CA251573.